The following is an entry in ClinVar:

ClinVar aggregate classification (germline): Pathogenic (1 of 4 stars; one submission).

Conditions:
Autosomal dominant optic atrophy classic form (OPA1). Also called: Optic Atrophy Type 1; OPTIC ATROPHY, JUVENILE; KJER-TYPE OPTIC ATROPHY. Identifiers: Orphanet 98673, MedGen C0338508, MONDO:0008134, OMIM 165500.

Submission:

3billion
Classification: Pathogenic for Autosomal dominant optic atrophy classic form. Last evaluated: 2022-03-22. Review status: criteria provided, single submitter. Criteria: ACMG Guidelines, 2015. Collection method: clinical testing. Allele origin: germline. Affected: yes. Observed: 1 heterozygote.
Comment: This variant has been reported as pathogenic (PMID:26624494).Frameshift: predicted to result in a loss or disruption of normal protein function through nonsense-mediated decay (NMD) or protein truncation. Multiple pathogenic variants are reported downstream of the variant.It is not observed in the gnomAD v2.1.1 dataset. Therefore, this variant is classified as pathogenic according to the recommendation of ACMG/AMP guideline.

Literature cited by the submitters: PubMed 26624494.

NM_130837.3(OPA1):c.357del (p.Phe119fs)

Gene: OPA1 (OPA1 mitochondrial dynamin like GTPase; plus strand). Cytogenetic location: 3q29.
Variant type: Deletion.
Coding change: c.357del on transcript NM_130837.3 (MANE Select); coding-DNA position 357, one base deleted (T; older notation c.357delT).
Protein change: p.Phe119fs; shifts the reading frame from phenylalanine 119.
Molecular consequence: frameshift variant. On other transcripts: 5 prime UTR variant (2).
Genome position (GRCh38, 1-based): chr3:193,615,679, T deleted; the last of 4 consecutive T bases (chr3:193,615,676-193,615,679); deleting any one gives the same sequence. VCF-style (leftmost placement, unchanged base first): chr3-193615675-CT-C. GRCh37 (hg19) VCF-style: chr3-193333464-CT-C.
Other names: c.-16del (NM_001354663.2, NM_001354664.2); c.357del, p.Phe119fs (NM_015560.3, NM_130831.3, NM_130832.3 and 4 more transcripts); short protein forms F119fs.
Identifiers: ClinVar variation 1526127 (VCV001526127.1), dbSNP rs1728905695, ClinGen allele CA1430256494.
Genomic context (GRCh38, chr3:193,615,675, plus strand): 5'-TCTTTACATGTTTATTTGGCATGCAGAGCATCTGATTGACACACTTTCTTGTCTTTTAGA[CT>C]TTTGATCAGTGGAAAGATATGATACCGGACCTTAGTGAATATAAATGGATTGTGCCTGAC-3'